The following is an entry in ClinVar:

NM_014747.3(RIMS3):c.695C>T (p.Pro232Leu)

Genes: RIMS3 (regulating synaptic membrane exocytosis 3; minus strand), LOC126805714 (CDK7 strongly-dependent group 2 enhancer GRCh37_chr1:41093974-41095173; plus strand). Cytogenetic location: 1p34.2.
Variant type: single nucleotide variant.
Coding change: c.695C>T on transcript NM_014747.3 (MANE Select); coding-DNA position 695, C replaced by T.
Protein change: p.Pro232Leu; replaces proline 232 with leucine.
Molecular consequence: missense variant.
Genome position (GRCh38, 1-based): chr1:40,628,829, G>A on the plus strand (C>T on the coding strand, the complement: RIMS3 is on the minus strand). VCF-style: chr1-40628829-G-A. GRCh37 (hg19) VCF-style: chr1-41094501-G-A.
Other names: short protein forms P232L.
Identifiers: ClinVar variation 3349105 (VCV003349105.1).

ClinVar aggregate classification (germline): Uncertain significance (0 of 4 stars; one submission).

Conditions:
RIMS3-related disorder. Also called: RIMS3-related condition.

gnomAD v4.1: 1 of 1,614,146 alleles (0.000062%); highest among the groups gnomAD compares: Non-Finnish European, 0.000085%; no homozygotes.

Submission:

PreventionGenetics, part of Exact Sciences
Classification: Uncertain significance for RIMS3-related condition. Last evaluated: 2024-03-18. Review status: no assertion criteria provided. Collection method: clinical testing. Allele origin: germline.
Comment: The RIMS3 c.695C>T variant is predicted to result in the amino acid substitution p.Pro232Leu. To our knowledge, this variant has not been reported in the literature or in a large population database, indicating this variant is rare. At this time, the clinical significance of this variant is uncertain due to the absence of conclusive functional and genetic evidence.